The following is an entry in ClinVar:

NM_004991.4(MECOM):c.3475A>G (p.Met1159Val)

Gene: MECOM (MDS1 and EVI1 complex locus; minus strand). Cytogenetic location: 3q26.2.
Variant type: single nucleotide variant.
Coding change: c.3475A>G on transcript NM_004991.4 (MANE Select); coding-DNA position 3475, A replaced by G.
Protein change: p.Met1159Val; replaces methionine 1159 with valine.
Molecular consequence: missense variant.
Genome position (GRCh38, 1-based): chr3:169,089,110, T>C on the plus strand (A>G on the coding strand, the complement: MECOM is on the minus strand). VCF-style: chr3-169089110-T-C. GRCh37 (hg19) VCF-style: chr3-168806898-T-C.
Other names: NC_000003.11:g.168806898T>C; c.3106A>G, p.Met1036Val (NM_001105077.4); c.2911A>G, p.Met971Val (NM_001105078.4, NM_001205194.2, NM_001366469.2 and 1 more transcripts); c.2887A>G, p.Met963Val (NM_001163999.2, NM_001366470.2); c.2884A>G, p.Met962Val (NM_001164000.2, NM_001366471.2, NM_001366472.2); c.3448A>G, p.Met1150Val (NM_001366466.2); c.2914A>G, p.Met972Val (NM_001366467.2, NM_001366468.2); c.2476A>G, p.Met826Val (NM_001366473.2); and 1 more; short protein forms M971V, M1159V, M962V, M1036V, M1150V, M638V, M826V, M963V.
Identifiers: ClinVar variation 3871656 (VCV003871656.2).

ClinVar aggregate classification (germline): Uncertain significance (1 of 4 stars; one submission).

Conditions:
Inborn genetic diseases. Identifiers: MedGen C0950123, MeSH D030342.

Submissions (2):

Ambry Genetics
Classification: Uncertain significance for Inborn genetic diseases. Last evaluated: 2025-01-03. Review status: criteria provided, single submitter. Criteria: Ambry Variant Classification Scheme 2023. Collection method: clinical testing. Allele origin: germline.
Comment: The p.M1159V variant (also known as c.3475A>G), located in coding exon 16 of the MECOM gene, results from an A to G substitution at nucleotide position 3475. The methionine at codon 1159 is replaced by valine, an amino acid with highly similar properties. This amino acid position is conserved. In addition, this alteration is predicted to be tolerated by in silico analysis. Based on the available evidence, the clinical significance of this variant remains unclear.

Dr. Peter K. Rogan Lab, Western University
No classification provided (evidence only). Condition: Sarcoma. Review status: no classification provided. Collection method: in vitro. Allele origin: not applicable. Functional consequence: retained intron. Not counted in ClinVar's aggregate classification.